The following is an entry in ClinVar:

NM_002227.4(JAK1):c.985C>A (p.Pro329Thr)

Gene: JAK1 (Janus kinase 1; minus strand). Cytogenetic location: 1p31.3.
Variant type: single nucleotide variant.
Coding change: c.985C>A on transcript NM_002227.4 (MANE Select); coding-DNA position 985, C replaced by A.
Protein change: p.Pro329Thr; replaces proline 329 with threonine.
Molecular consequence: missense variant.
Genome position (GRCh38, 1-based): chr1:64,866,871, G>T on the plus strand (C>A on the coding strand, the complement: JAK1 is on the minus strand). VCF-style: chr1-64866871-G-T. GRCh37 (hg19) VCF-style: chr1-65332554-G-T.
Other names: c.985C>A, p.Pro329Thr (NM_001321852.2, NM_001321853.2, NM_001321854.2 and 4 more transcripts); c.985C>A (NM_002227.2); short protein forms P329T.
Identifiers: ClinVar variation 2999484 (VCV002999484.4), dbSNP rs1656735962, ClinGen allele CA340674588.
Genomic context (GRCh38, chr1:64,866,871, plus strand): 5'-ATACGCTATGTGACACGGGAATGTTCTCTTTGATCGACTGCCAACAGCCACTTACATTTG[G>T]TTTATGCCTCCACTGGATTCCAAGATTCCCAGTCACCATCACTTCGTAGTAGAGAACGTT-3'
Protein context (NP_002218.2, residues 319-339): GNLGIQWRHK[Pro329Thr]NVVSVEKEKN

ClinVar aggregate classification (germline): Uncertain significance. Review status: criteria provided, multiple submitters, no conflicts (2 of 4 stars). 2 submissions from 2 submitters: Uncertain significance (2). Last evaluated 2025-08-02.

Conditions:
Inborn genetic diseases. Identifiers: MedGen C0950123, MeSH D030342.

Allele frequency attached by ClinVar (database versions not stated): TOPMed below 0.00001.

Submissions (2):

Ambry Genetics
Classification: Uncertain significance for Inborn genetic diseases. Last evaluated: 2025-08-02. Review status: criteria provided, single submitter. Criteria: Ambry Variant Classification Scheme 2023. Collection method: clinical testing. Allele origin: germline.

Labcorp Genetics (formerly Invitae), Labcorp
Classification: Uncertain significance. Last evaluated: 2024-04-25. Review status: criteria provided, single submitter. Criteria: Invitae Variant Classification Sherloc (09022015). Collection method: clinical testing. Allele origin: germline.
Comment: This sequence change replaces proline, which is neutral and non-polar, with threonine, which is neutral and polar, at codon 329 of the JAK1 protein (p.Pro329Thr). This variant is not present in population databases (gnomAD no frequency). This variant has not been reported in the literature in individuals affected with JAK1-related conditions. An algorithm developed to predict the effect of missense changes on protein structure and function (PolyPhen-2) suggests that this variant is likely to be disruptive. In summary, the available evidence is currently insufficient to determine the role of this variant in disease. Therefore, it has been classified as a Variant of Uncertain Significance.